The following is an entry in ClinVar:

NM_015874.6(RBPJ):c.1427C>G (p.Thr476Ser)

Gene: RBPJ (recombination signal binding protein for immunoglobulin kappa J region; plus strand). Cytogenetic location: 4p15.2.
Variant type: single nucleotide variant.
Coding change: c.1427C>G on transcript NM_015874.6 (MANE Select); coding-DNA position 1427, C replaced by G.
Protein change: p.Thr476Ser; replaces threonine 476 with serine.
Molecular consequence: missense variant.
Genome position (GRCh38, 1-based): chr4:26,430,970, C>G. VCF-style: chr4-26430970-C-G. GRCh37 (hg19) VCF-style: chr4-26432592-C-G.
Other names: c.1361C>G, p.Thr454Ser (NM_001363577.2, NM_203283.5); c.1466C>G, p.Thr489Ser (NM_001374400.1, NM_005349.4); c.1424C>G, p.Thr475Ser (NM_001374401.1, NM_001374402.1, NM_001374403.1 and 3 more transcripts); c.1310C>G, p.Thr437Ser (NM_001379408.1); c.1265C>G, p.Thr422Ser (NM_001379409.1); short protein forms T422S, T437S, T475S, T454S, T476S, T489S.
Identifiers: ClinVar variation 1354936 (VCV001354936.23), dbSNP rs149497496, ClinGen allele CA2881555.

ClinVar aggregate classification (germline): Conflicting classifications of pathogenicity. Review status: criteria provided, conflicting classifications (1 of 4 stars). 2 submissions from 2 submitters: Uncertain significance (1); Likely benign (1). Last evaluated 2025-10-09.

Allele frequency attached by ClinVar (database versions not stated): gnomAD 0.00008; TOPMed 0.00010; ESP Exome Variant Server 0.00015; 1000 Genomes Project 30x 0.00016; gnomAD exomes 0.00016 and 0.00017; 1000 Genomes Project 0.00020; ExAC 0.00021.
gnomAD v4.1: 247 of 1,613,922 alleles (0.015%); highest among the groups gnomAD compares: Non-Finnish European, 0.02%; 1 homozygote.

Submissions (2):

Labcorp Genetics (formerly Invitae), Labcorp
Classification: Uncertain significance. Last evaluated: 2025-10-09. Review status: criteria provided, single submitter. Criteria: Invitae Variant Classification Sherloc (09022015). Collection method: clinical testing. Allele origin: germline.
Comment: This sequence change replaces threonine, which is neutral and polar, with serine, which is neutral and polar, at codon 489 of the RBPJ protein (p.Thr489Ser). This variant is present in population databases (rs149497496, gnomAD 0.03%), and has an allele count higher than expected for a pathogenic variant. This variant has not been reported in the literature in individuals affected with RBPJ-related conditions. ClinVar contains an entry for this variant (Variation ID: 1354936). An algorithm developed to predict the effect of missense changes on protein structure and function outputs the following: PolyPhen-2: "Not Available". The serine amino acid residue is found in multiple mammalian species, which suggests that this missense change does not adversely affect protein function. In summary, the available evidence is currently insufficient to determine the role of this variant in disease. Therefore, it has been classified as a Variant of Uncertain Significance.

CeGaT Center for Human Genetics Tuebingen
Classification: Likely benign. Last evaluated: 2024-07-01. Review status: criteria provided, single submitter. Criteria: CeGaT Center For Human Genetics Tuebingen Variant Classification Criteria Version 2. Collection method: clinical testing. Allele origin: germline. Affected: yes. Observed: 1 variant allele.
Comment: RBPJ: PP2, BP4, BS2